The following is an entry in ClinVar:

NM_001080517.3(SETD5):c.3256G>T (p.Gly1086Ter)

Gene: SETD5 (SET domain containing 5; plus strand). Cytogenetic location: 3p25.3.
Variant type: single nucleotide variant.
Coding change: c.3256G>T on transcript NM_001080517.3 (MANE Select); coding-DNA position 3256, G replaced by T.
Protein change: p.Gly1086Ter; replaces glycine 1086 with a stop codon.
Molecular consequence: nonsense.
Genome position (GRCh38, 1-based): chr3:9,473,296, G>T. VCF-style: chr3-9473296-G-T. GRCh37 (hg19) VCF-style: chr3-9514980-G-T.
Other names: c.2962G>T, p.Gly988Ter (NM_001292043.2, NM_001349451.2); c.3352G>T, p.Gly1118Ter (NM_001437633.1); c.3370G>T, p.Gly1124Ter (NM_001437635.1); c.3313G>T, p.Gly1105Ter (NM_001437643.1); c.3295G>T, p.Gly1099Ter (NM_001437701.1); short protein forms G1086*, G1099*, G1105*, G1118*, G1124*, G988*.
Identifiers: ClinVar variation 4076166 (VCV004076166.1).

ClinVar aggregate classification (germline): Likely pathogenic (1 of 4 stars; one submission).

Conditions:
Intellectual disability-facial dysmorphism syndrome due to SETD5 haploinsufficiency (MRD23). Also called: Intellectual developmental disorder, autosomal dominant 23. Identifiers: Orphanet 404440, MedGen C3810406, MONDO:0014336, OMIM 615761.

Submission:

Laboratorio de Genetica e Diagnostico Molecular, Hospital Israelita Albert Einstein
Classification: Likely pathogenic for Intellectual disability-facial dysmorphism syndrome due to SETD5 haploinsufficiency. Last evaluated: 2023-07-24. Review status: criteria provided, single submitter. Criteria: ACMG Guidelines, 2015. Collection method: clinical testing. Allele origin: germline. Affected: yes.
Comment: ACMG classification criteria: PVS1 very strong, PM2 moderate